The following is an entry in ClinVar:

NM_000395.3(CSF2RB):c.2690G>A (p.Cys897Tyr)

Gene: CSF2RB (colony stimulating factor 2 receptor subunit beta; plus strand). Cytogenetic location: 22q12.3.
Variant type: single nucleotide variant.
Coding change: c.2690G>A on transcript NM_000395.3 (MANE Select); coding-DNA position 2690, G replaced by A.
Protein change: p.Cys897Tyr; replaces cysteine 897 with tyrosine.
Molecular consequence: missense variant.
Genome position (GRCh38, 1-based): chr22:36,938,498, G>A. VCF-style: chr22-36938498-G-A. GRCh37 (hg19) VCF-style: chr22-37334540-G-A.
Other names: c.2708G>A, p.Cys903Tyr (NM_001410827.1); short protein forms C903Y, C897Y.
Identifiers: ClinVar variation 2801758 (VCV002801758.3), dbSNP rs557905082, ClinGen allele CA411412011.

ClinVar aggregate classification (germline): Uncertain significance (1 of 4 stars; one submission).

Submission:

Labcorp Genetics (formerly Invitae), Labcorp
Classification: Uncertain significance. Last evaluated: 2023-08-10. Review status: criteria provided, single submitter. Criteria: Invitae Variant Classification Sherloc (09022015). Collection method: clinical testing. Allele origin: germline.
Comment: In summary, the available evidence is currently insufficient to determine the role of this variant in disease. Therefore, it has been classified as a Variant of Uncertain Significance. Algorithms developed to predict the effect of missense changes on protein structure and function output the following: SIFT: "Not Available"; PolyPhen-2: "Probably Damaging"; Align-GVGD: "Not Available". The tyrosine amino acid residue is found in multiple mammalian species, which suggests that this missense change does not adversely affect protein function. This variant has not been reported in the literature in individuals affected with CSF2RB-related conditions. This variant is not present in population databases (gnomAD no frequency). This sequence change replaces cysteine, which is neutral and slightly polar, with tyrosine, which is neutral and polar, at codon 897 of the CSF2RB protein (p.Cys897Tyr).